The following is an entry in ClinVar:

NM_139076.3(ABRAXAS1):c.103G>C (p.Gly35Arg)

Gene: ABRAXAS1 (abraxas 1, BRCA1 A complex subunit; minus strand). Cytogenetic location: 4q21.23.
Variant type: single nucleotide variant.
Coding change: c.103G>C on transcript NM_139076.3 (MANE Select); coding-DNA position 103, G replaced by C.
Protein change: p.Gly35Arg; replaces glycine 35 with arginine.
Molecular consequence: missense variant. On other transcripts: 5 prime UTR variant (1).
Genome position (GRCh38, 1-based): chr4:83,482,229, C>G on the plus strand (G>C on the coding strand, the complement: ABRAXAS1 is on the minus strand). VCF-style: chr4-83482229-C-G. GRCh37 (hg19) VCF-style: chr4-84403382-C-G.
Other names: c.-158G>C (NM_001345962.2); short protein forms G35R.
Identifiers: ClinVar variation 241852 (VCV000241852.12), dbSNP rs749184518, ClinGen allele CA10582271.

ClinVar aggregate classification (germline): Uncertain significance. Review status: criteria provided, multiple submitters, no conflicts (2 of 4 stars). 3 submissions from 3 submitters: Uncertain significance (3). Last evaluated 2025-08-24.

Conditions:
Hereditary breast cancer, ABRAXAS1-related.

Allele frequency attached by ClinVar (database versions not stated): gnomAD 0.00001; gnomAD exomes below 0.00001.
gnomAD v4.1: 7 of 1,609,242 alleles (0.00043%); highest among the groups gnomAD compares: South Asian, 0.0033%; no homozygotes.

Submissions (3):

Ambry Genetics
Classification: Uncertain significance. Last evaluated: 2025-08-24. Review status: criteria provided, single submitter. Criteria: Ambry Variant Classification Scheme 2023. Collection method: clinical testing. Allele origin: germline.

Labcorp Genetics (formerly Invitae), Labcorp
Classification: Uncertain significance. Last evaluated: 2023-09-24. Review status: criteria provided, single submitter. Criteria: Invitae Variant Classification Sherloc (09022015). Collection method: clinical testing. Allele origin: germline.
Comment: This sequence change replaces glycine, which is neutral and non-polar, with arginine, which is basic and polar, at codon 35 of the ABRAXAS1 protein (p.Gly35Arg). This variant is not present in population databases (gnomAD no frequency). This variant has not been reported in the literature in individuals affected with ABRAXAS1-related conditions. ClinVar contains an entry for this variant (Variation ID: 241852). Advanced modeling of protein sequence and biophysical properties (such as structural, functional, and spatial information, amino acid conservation, physicochemical variation, residue mobility, and thermodynamic stability) performed at Invitae indicates that this missense variant is expected to disrupt ABRAXAS1 protein function. In summary, the available evidence is currently insufficient to determine the role of this variant in disease. Therefore, it has been classified as a Variant of Uncertain Significance.

Baylor Genetics
Classification: Uncertain significance for Hereditary breast cancer, ABRAXAS1-related. Last evaluated: 2023-06-24. Review status: criteria provided, single submitter. Criteria: ACMG Guidelines, 2015. Collection method: clinical testing. Allele origin: unknown.